The following is an entry in ClinVar:

ClinVar aggregate classification (germline): Uncertain significance (1 of 4 stars; one submission).

Conditions:
Inborn genetic diseases. Identifiers: MedGen C0950123, MeSH D030342.

Submission:

Ambry Genetics
Classification: Uncertain significance for Inborn genetic diseases. Last evaluated: 2025-02-08. Review status: criteria provided, single submitter. Criteria: Ambry Variant Classification Scheme 2023. Collection method: clinical testing. Allele origin: germline.
Comment: The p.P701A variant (also known as c.2101C>G), located in coding exon 8 of the MECOM gene, results from a C to G substitution at nucleotide position 2101. The proline at codon 701 is replaced by alanine, an amino acid with highly similar properties. This amino acid position is conserved. In addition, the in silico prediction for this alteration is inconclusive. Based on the available evidence, the clinical significance of this variant remains unclear.

NM_004991.4(MECOM):c.2101C>G (p.Pro701Ala)

Gene: MECOM (MDS1 and EVI1 complex locus; minus strand). Cytogenetic location: 3q26.2.
Variant type: single nucleotide variant.
Coding change: c.2101C>G on transcript NM_004991.4 (MANE Select); coding-DNA position 2101, C replaced by G.
Protein change: p.Pro701Ala; replaces proline 701 with alanine.
Molecular consequence: missense variant. On other transcripts: intron variant (2).
Genome position (GRCh38, 1-based): chr3:169,115,771, G>C on the plus strand (C>G on the coding strand, the complement: MECOM is on the minus strand). VCF-style: chr3-169115771-G-C. GRCh37 (hg19) VCF-style: chr3-168833559-G-C.
Other names: c.1732C>G, p.Pro578Ala (NM_001105077.4); c.1537C>G, p.Pro513Ala (NM_001105078.4, NM_001164000.2, NM_001205194.2 and 4 more transcripts); c.1540C>G, p.Pro514Ala (NM_001163999.2, NM_001366467.2, NM_001366468.2 and 1 more transcripts); c.2101C>G, p.Pro701Ala (NM_001366466.2); c.1133-4C>G (NM_001366473.2); c.569-4C>G (NM_001366474.2); short protein forms P513A, P701A, P578A, P514A.
Identifiers: ClinVar variation 3871810 (VCV003871810.1).